The following is an entry in ClinVar:

NM_004525.3(LRP2):c.9350C>T (p.Pro3117Leu)

Gene: LRP2 (LDL receptor related protein 2; minus strand). Cytogenetic location: 2q31.1.
Variant type: single nucleotide variant.
Coding change: c.9350C>T on transcript NM_004525.3 (MANE Select); coding-DNA position 9350, C replaced by T.
Protein change: p.Pro3117Leu; replaces proline 3117 with leucine.
Molecular consequence: missense variant.
Genome position (GRCh38, 1-based): chr2:169,185,998, G>A on the plus strand (C>T on the coding strand, the complement: LRP2 is on the minus strand). VCF-style: chr2-169185998-G-A. GRCh37 (hg19) VCF-style: chr2-170042508-G-A.
Other names: short protein forms P3117L.
Identifiers: ClinVar variation 1356963 (VCV001356963.6), dbSNP rs2105302307, ClinGen allele CA349154874.

ClinVar aggregate classification (germline): Uncertain significance (1 of 4 stars; one submission).

Submission:

Labcorp Genetics (formerly Invitae), Labcorp
Classification: Uncertain significance. Last evaluated: 2022-01-06. Review status: criteria provided, single submitter. Criteria: Invitae Variant Classification Sherloc (09022015). Collection method: clinical testing. Allele origin: germline.
Comment: In summary, the available evidence is currently insufficient to determine the role of this variant in disease. Therefore, it has been classified as a Variant of Uncertain Significance. Advanced modeling of protein sequence and biophysical properties (such as structural, functional, and spatial information, amino acid conservation, physicochemical variation, residue mobility, and thermodynamic stability) performed at Invitae indicates that this missense variant is not expected to disrupt LRP2 protein function. This variant has not been reported in the literature in individuals affected with LRP2-related conditions. This variant is not present in population databases (gnomAD no frequency). This sequence change replaces proline, which is neutral and non-polar, with leucine, which is neutral and non-polar, at codon 3117 of the LRP2 protein (p.Pro3117Leu).